The following is an entry in ClinVar:

NM_052845.4(MMAB):c.731C>T (p.Ser244Leu)

Gene: MMAB (metabolism of cobalamin associated B; minus strand). Cytogenetic location: 12q24.11.
Variant type: single nucleotide variant.
Coding change: c.731C>T on transcript NM_052845.4 (MANE Select); coding-DNA position 731, C replaced by T.
Protein change: p.Ser244Leu; replaces serine 244 with leucine.
Molecular consequence: missense variant. On other transcripts: non-coding transcript variant (1).
Genome position (GRCh38, 1-based): chr12:109,557,050, G>A on the plus strand (C>T on the coding strand, the complement: MMAB is on the minus strand). VCF-style: chr12-109557050-G-A. GRCh37 (hg19) VCF-style: chr12-109994855-G-A.
Other names: c.731C>T (NM_052845.3); short protein forms S244L.
Identifiers: ClinVar variation 2200545 (VCV002200545.4), dbSNP rs762138026, ClinGen allele CA6778751.
Genomic context (GRCh38, chr12:109,557,050, plus strand): 5'-CCATGGAGGGATCCTCCAAGCTCCCACTTTCTGTGATTTCAGAGTCCCTCAGACTCGGCC[G>A]ATGGGTCATTTTTCATGTATATTTTCTCTTGATTCCCCTCCTTCATGGCTGCATATCTGG-3'
Protein context (NP_443077.1, residues 234-250): QEKIYMKNDP[Ser244Leu]AESEGL

ClinVar aggregate classification (germline): Uncertain significance. Review status: criteria provided, multiple submitters, no conflicts (2 of 4 stars). 3 submissions from 3 submitters: Uncertain significance (3). Last evaluated 2025-12-03.

Conditions:
Inborn genetic diseases. Identifiers: MedGen C0950123, MeSH D030342.
Methylmalonic aciduria, cblB type (MACB). Also called: Vitamin B12-responsive methylmalonic acidemia type cblB; METHYLMALONIC ACIDURIA, VITAMIN B12-RESPONSIVE, DUE TO DEFECT IN SYNTHESIS OF ADENOSYLCOBALAMIN, cblB TYPE; Methylmalonic acidemia cblB type. Identifiers: Orphanet 28, Orphanet 79311, MedGen C1855102, MONDO:0009614, OMIM 251110.

Allele frequency attached by ClinVar (database versions not stated): ExAC 0.00002; TOPMed 0.00005; gnomAD 0.00006; gnomAD exomes 0.00010.

Submissions (3):

Labcorp Genetics (formerly Invitae), Labcorp
Classification: Uncertain significance for Methylmalonic aciduria, cblB type. Last evaluated: 2025-12-03. Review status: criteria provided, single submitter. Criteria: Invitae Variant Classification Sherloc (09022015). Collection method: clinical testing. Allele origin: germline.
Comment: This sequence change replaces serine, which is neutral and polar, with leucine, which is neutral and non-polar, at codon 244 of the MMAB protein (p.Ser244Leu). This variant is present in population databases (rs762138026, gnomAD 0.008%). This variant has not been reported in the literature in individuals affected with MMAB-related conditions. ClinVar contains an entry for this variant (Variation ID: 2200545). Invitae Evidence Modeling of protein sequence and biophysical properties (such as structural, functional, and spatial information, amino acid conservation, physicochemical variation, residue mobility, and thermodynamic stability) indicates that this missense variant is not expected to disrupt MMAB protein function with a negative predictive value of 95%. In summary, the available evidence is currently insufficient to determine the role of this variant in disease. Therefore, it has been classified as a Variant of Uncertain Significance.

Fulgent Genetics
Classification: Uncertain significance for Methylmalonic aciduria, cblB type. Last evaluated: 2024-06-14. Review status: criteria provided, single submitter. Criteria: ACMG Guidelines, 2015. Collection method: clinical testing. Allele origin: germline.

Ambry Genetics
Classification: Uncertain significance for Inborn genetic diseases. Last evaluated: 2021-04-21. Review status: criteria provided, single submitter. Criteria: Ambry Variant Classification Scheme 2023. Collection method: clinical testing. Allele origin: germline.
Comment: The c.731C>T (p.S244L) alteration is located in exon 9 (coding exon 9) of the MMAB gene. This alteration results from a C to T substitution at nucleotide position 731, causing the serine (S) at amino acid position 244 to be replaced by a leucine (L). The p.S244L alteration is predicted to be tolerated by in silico analysis. Based on insufficient or conflicting evidence, the clinical significance of this alteration remains unclear.